The following is an entry in ClinVar:

ClinVar aggregate classification (germline): Uncertain significance (1 of 4 stars; one submission).

Conditions:
SDCCAG8-related disorder. Also called: SDCCAG8-related condition; SDCCAG8-Related Disorders.

gnomAD v4.1: 2 of 1,614,020 alleles (0.00012%); highest among the groups gnomAD compares: Non-Finnish European, 0.00017%; no homozygotes.

Submission:

PreventionGenetics, part of Exact Sciences
Classification: Uncertain significance for SDCCAG8-related condition. Last evaluated: 2026-06-15. Review status: criteria provided, single submitter. Criteria: ACMG Guidelines, 2015. Collection method: clinical testing. Allele origin: germline.
Comment: The SDCCAG8 c.1924A>G variant is predicted to result in the amino acid substitution p.Asn642Asp. To our knowledge, this variant has not been reported in the literature. This variant is reported in 0.00088% of alleles in individuals of European (Non-Finnish) descent in gnomAD. At this time, the clinical significance of this variant is uncertain due to the absence of conclusive functional and genetic evidence.

NM_006642.5(SDCCAG8):c.1924A>G (p.Asn642Asp)

Gene: SDCCAG8 (SHH signaling and ciliogenesis regulator SDCCAG8; plus strand). Cytogenetic location: 1q43.
Variant type: single nucleotide variant.
Coding change: c.1924A>G on transcript NM_006642.5 (MANE Select); coding-DNA position 1924, A replaced by G.
Protein change: p.Asn642Asp; replaces asparagine 642 with aspartic acid.
Molecular consequence: missense variant.
Genome position (GRCh38, 1-based): chr1:243,426,497, A>G. VCF-style: chr1-243426497-A-G. GRCh37 (hg19) VCF-style: chr1-243589799-A-G.
Other names: c.1021A>G, p.Asn341Asp (NM_001350246.2, NM_001350247.2, NM_001350251.2); c.2020A>G, p.Asn674Asp (NM_001350248.2); c.1630A>G, p.Asn544Asp (NM_001350249.2); short protein forms N341D, N674D, N544D, N642D.
Identifiers: ClinVar variation 4994111 (VCV004994111.1).